The following is an entry in ClinVar:

NM_015570.4(AUTS2):c.2450G>T (p.Arg817Leu)

Gene: AUTS2 (activator of transcription and developmental regulator AUTS2; plus strand). Cytogenetic location: 7q11.22.
Variant type: single nucleotide variant.
Coding change: c.2450G>T on transcript NM_015570.4 (MANE Select); coding-DNA position 2450, G replaced by T.
Protein change: p.Arg817Leu; replaces arginine 817 with leucine.
Molecular consequence: missense variant.
Genome position (GRCh38, 1-based): chr7:70,787,350, G>T. VCF-style: chr7-70787350-G-T. GRCh37 (hg19) VCF-style: chr7-70252336-G-T.
Other names: c.2378G>T, p.Arg793Leu (NM_001127231.3); short protein forms R793L, R817L.
Identifiers: ClinVar variation 1699815 (VCV001699815.2), dbSNP rs150219264, ClinGen allele CA367664105.

ClinVar aggregate classification (germline): Uncertain significance (1 of 4 stars; one submission).

gnomAD v4.1: 5 of 1,613,924 alleles (0.00031%); highest among the groups gnomAD compares: Non-Finnish European, 0.00042%; no homozygotes.

Submission:

GeneDx
Classification: Uncertain significance. Last evaluated: 2022-01-28. Review status: criteria provided, single submitter. Criteria: GeneDx Variant Classification Process June 2021. Collection method: clinical testing. Allele origin: germline. Affected: yes.
Comment: Not observed at significant frequency in large population cohorts (gnomAD); In silico analysis supports that this missense variant has a deleterious effect on protein structure/function; Has not been previously published as pathogenic or benign to our knowledge